The following is an entry in ClinVar:

NM_004086.3(COCH):c.329A>G (p.Gln110Arg)

Genes: COCH (cochlin; plus strand), COCH-AS1 (COCH antisense RNA 1; minus strand). Cytogenetic location: 14q12.
Variant type: single nucleotide variant.
Coding change: c.329A>G on transcript NM_004086.3 (MANE Select); coding-DNA position 329, A replaced by G.
Protein change: p.Gln110Arg; replaces glutamine 110 with arginine.
Molecular consequence: missense variant.
Genome position (GRCh38, 1-based): chr14:30,878,900, A>G. VCF-style: chr14-30878900-A-G. GRCh37 (hg19) VCF-style: chr14-31348106-A-G.
Other names: c.329A>G, p.Gln110Arg (NM_001135058.2); c.524A>G, p.Gln175Arg (NM_001347720.2); short protein forms Q110R, Q175R.
Identifiers: ClinVar variation 1028194 (VCV001028194.5), dbSNP rs1281507766, ClinGen allele CA389344678.
Genomic context (GRCh38, chr14:30,878,900, plus strand): 5'-TACGAGTCTATAGCCTACCTGGTCGAGAAAACTATTCCTCAGTAGATGCCAATGGCATCC[A>G]GTCTCAAATGCTTTCTAGATGGTCTGCTTCTTTCACAGTAACTAGTAGGTATAATTATTG-3'
Protein context (NP_004077.1, residues 100-120): NYSSVDANGI[Gln110Arg]SQMLSRWSAS

ClinVar aggregate classification (germline): Uncertain significance. Review status: criteria provided, multiple submitters, no conflicts (2 of 4 stars). 2 submissions from 2 submitters: Uncertain significance (2). Last evaluated 2026-03-01.

Conditions:
Autosomal dominant nonsyndromic hearing loss 9. Identifiers: Orphanet 90635, MedGen C1832425, MONDO:0011058, OMIM 601369.

Allele frequency attached by ClinVar (database versions not stated): gnomAD exomes below 0.00001; TOPMed below 0.00001.
gnomAD v4.1: 1 of 1,614,212 alleles (0.000062%); highest among the groups gnomAD compares: Admixed American, 0.0017%; no homozygotes.

Submissions (2):

CeGaT Center for Human Genetics Tuebingen
Classification: Uncertain significance. Last evaluated: 2026-03-01. Review status: criteria provided, single submitter. Criteria: CeGaT Center For Human Genetics Tuebingen Variant Classification Criteria Version 2. Collection method: clinical testing. Allele origin: germline. Affected: yes. Observed: 1 variant allele.
Comment: COCH: PM2, BP4

Baylor Genetics
Classification: Uncertain significance for Autosomal dominant nonsyndromic hearing loss 9. Last evaluated: 2019-08-01. Review status: criteria provided, single submitter. Criteria: ACMG Guidelines, 2015. Collection method: clinical testing. Allele origin: unknown. Affected: yes.
Comment: This variant was determined to be of uncertain significance according to ACMG Guidelines, 2015 [PMID:25741868].